The following is an entry in ClinVar:

NM_000260.4(MYO7A):c.5743-12_5743-11inv

Gene: MYO7A (myosin VIIA; plus strand). Cytogenetic location: 11q13.5.
Variant type: Inversion.
Coding change: c.5743-12_5743-11inv on transcript NM_000260.4 (MANE Select).
Molecular consequence: intron variant.
Genome position: GRCh38 VCF-style: chr11-77207277-TG-CA. GRCh37 (hg19) VCF-style: chr11-76918322-TG-CA.
Other names: c.5596-12_5596-11inv (NM_001369365.1); c.5629-12_5629-11inv (NM_001127180.2); c.5743-12_5743-11delinsCA (NM_000260.4).
Identifiers: ClinVar variation 1633308 (VCV001633308.9), ClinGen allele CA2573147837.
Genomic context (GRCh38, chr11:77,207,277, plus strand): 5'-GCCAGAGGGGCCCGGGAGGACCAGGTCCCGGGAAAGGCCCTGCAGGAGCCCAGTGCTCAC[TG>CA]CCCCTCCCAGGCCTTCGAAGTGGAGTCCAGCACCAAGGCCAAGGACTTCTGCCAGAACAT-3'

ClinVar aggregate classification (germline): Likely benign. Review status: criteria provided, multiple submitters, no conflicts (2 of 4 stars). 2 submissions from 2 submitters: Likely benign (2). Last evaluated 2026-01-20.

Submissions (2):

Women's Health and Genetics/Laboratory Corporation of America, LabCorp
Classification: Likely benign. Last evaluated: 2026-01-20. Review status: criteria provided, single submitter. Criteria: LabCorp Variant Classification Summary - May 2015. Collection method: clinical testing. Allele origin: germline.
Comment: Variant summary: MYO7A c.5743-12_5743-11delinsCA alters a nucleotide located at a position not widely known to affect splicing. Consensus agreement among computation tools predict no significant impact on normal splicing. However, these predictions have yet to be confirmed by functional studies. The variant was absent in 256494 control chromosomes. The available data on variant occurrences in the general population are insufficient to allow any conclusion about variant significance. To our knowledge, no occurrence of c.5743-12_5743-11delinsCA in individuals affected with MYO7A-related conditions and no experimental evidence demonstrating its impact on protein function have been reported. ClinVar contains an entry for this variant (Variation ID: 1633308). Based on the evidence outlined above, the variant was classified as likely benign.

Labcorp Genetics (formerly Invitae), Labcorp
Classification: Likely benign. Last evaluated: 2024-01-22. Review status: criteria provided, single submitter. Criteria: Invitae Variant Classification Sherloc (09022015). Collection method: clinical testing. Allele origin: germline.